The following is an entry in ClinVar:

ClinVar aggregate classification (germline): Pathogenic (1 of 4 stars; one submission).

Submission:

Labcorp Genetics (formerly Invitae), Labcorp
Classification: Pathogenic. Last evaluated: 2021-12-25. Review status: criteria provided, single submitter. Criteria: Invitae Variant Classification Sherloc (09022015). Collection method: clinical testing. Allele origin: germline.
Comment: For these reasons, this variant has been classified as Pathogenic. This variant has not been reported in the literature in individuals affected with CUL7-related conditions. This variant is not present in population databases (gnomAD no frequency). This sequence change creates a premature translational stop signal (p.Gln227*) in the CUL7 gene. It is expected to result in an absent or disrupted protein product. Loss-of-function variants in CUL7 are known to be pathogenic (PMID: 16142236, 17675530, 19225462).

Literature cited by the submitters: PubMed 16142236; PubMed 17675530; PubMed 19225462.

NM_014780.5(CUL7):c.679C>T (p.Gln227Ter)

Gene: CUL7 (cullin 7; minus strand). Cytogenetic location: 6p21.1.
Variant type: single nucleotide variant.
Coding change: c.679C>T on transcript NM_014780.5 (MANE Select); coding-DNA position 679, C replaced by T.
Protein change: p.Gln227Ter; replaces glutamine 227 with a stop codon.
Molecular consequence: nonsense.
Genome position (GRCh38, 1-based): chr6:43,051,665, G>A on the plus strand (C>T on the coding strand, the complement: CUL7 is on the minus strand). VCF-style: chr6-43051665-G-A. GRCh37 (hg19) VCF-style: chr6-43019403-G-A.
Other names: c.775C>T, p.Gln259Ter (NM_001168370.2, NM_001374872.1); c.679C>T, p.Gln227Ter (NM_001374873.1, NM_001374874.1); short protein forms Q227*, Q259*.
Identifiers: ClinVar variation 1413162 (VCV001413162.6), dbSNP rs747103340, ClinGen allele CA364228618.
Genomic context (GRCh38, chr6:43,051,665, plus strand): 5'-AGGTTACCTGTGGTAGCTGAATGCCCTCGAAAGACATGGGGTGTTCAGAGAGCGTGGCCT[G>A]TGCAAACAGTGCTAGCAGAGCACAGCGGCTGTCAAAATCCAGGTGTTTCTCAATGGCTTC-3'